The following is an entry in ClinVar:

ClinVar aggregate classification (germline): Likely benign. Review status: criteria provided, multiple submitters, no conflicts (2 of 4 stars). 3 submissions from 3 submitters: Likely benign (2). 1 of the submissions does not count toward it. Last evaluated 2025-08-21.

Conditions:
HADH-related disorder. Also called: HADH-related condition.
Deficiency of 3-hydroxyacyl-CoA dehydrogenase. Also called: 3-hydroxyacyl-CoA dehydrogenase deficiency; HADH DEFICIENCY. Identifiers: Orphanet 309127, Orphanet 71212, MedGen C1291230, MONDO:0017715, OMIM 231530.
Hyperinsulinemic hypoglycemia. Also called: Hyperinsulinemia hypoglycemia; Hyperinsulinemic hypoglycemia (disease). Identifiers: Orphanet 443095, MedGen C1864903, MONDO:0005803, HP:0000825.

Allele frequency attached by ClinVar (database versions not stated): ExAC 0.00006; gnomAD exomes 0.00007; ESP Exome Variant Server 0.00008; gnomAD 0.00011; TOPMed 0.00012; 1000 Genomes Project 30x 0.00016.
gnomAD v4.1: 151 of 1,541,232 alleles (0.0098%); highest among the groups gnomAD compares: Middle Eastern, 0.017%; no homozygotes.

Submissions (3):

Labcorp Genetics (formerly Invitae), Labcorp
Classification: Likely benign for Deficiency of 3-hydroxyacyl-CoA dehydrogenase. Last evaluated: 2025-08-21. Review status: criteria provided, single submitter. Criteria: Invitae Variant Classification Sherloc (09022015). Collection method: clinical testing. Allele origin: germline.

Clinical Genomics, Uppaluri K&H Personalized Medicine Clinic
Classification: Likely benign for Hyperinsulinemic hypoglycemia. Review status: criteria provided, single submitter. Criteria: K & H Uppaluri Personalized Medicine Clinic Variant Classification & Assertion Criteria_Updated V.1. Collection method: research. Allele origin: unknown. Inheritance: Autosomal recessive inheritance.
Comment: Potent mutations in HADH gene are associated with congenital hyperinsulinism, which leads to recurrent hypoglycemia. The condition is exacerbated by stress, fasting or excessive dietary protein. May respond well to diazoxide. However, the role of this particular variant rs372610846 in congenital hyperinsulinism is yet to be ascertained.

PreventionGenetics, part of Exact Sciences
Classification: Likely benign for HADH-related condition. Last evaluated: 2019-08-29. Review status: no assertion criteria provided. Collection method: clinical testing. Allele origin: germline. Not counted in ClinVar's aggregate classification.
Comment: This variant is classified as likely benign based on ACMG/AMP sequence variant interpretation guidelines (Richards et al. 2015 PMID: 25741868, with internal and published modifications).

Literature cited by the submitters: PubMed 34547194 (cited by Clinical Genomics, Uppaluri K&H Personalized Medicine Clinic); PubMed 34055426 (cited by Clinical Genomics, Uppaluri K&H Personalized Medicine Clinic); PubMed 29280746 (cited by Clinical Genomics, Uppaluri K&H Personalized Medicine Clinic).

NM_005327.7(HADH):c.827-10C>T

Gene: HADH (hydroxyacyl-CoA dehydrogenase; plus strand). Cytogenetic location: 4q25.
Variant type: single nucleotide variant.
Coding change: c.827-10C>T on transcript NM_005327.7 (MANE Select); 10 bases into the intron before coding-DNA position 827, C replaced by T.
Molecular consequence: intron variant.
Genome position (GRCh38, 1-based): chr4:108,034,229, C>T. VCF-style: chr4-108034229-C-T. GRCh37 (hg19) VCF-style: chr4-108955385-C-T.
Other names: c.878-10C>T (NM_001184705.4, NM_001184705.2); c.839-10C>T (NM_001331027.2).
Identifiers: ClinVar variation 744911 (VCV000744911.10), dbSNP rs372610846, ClinGen allele CA3037645.